The following is an entry in ClinVar:

ClinVar aggregate classification (germline): Uncertain significance. Review status: criteria provided, multiple submitters, no conflicts (2 of 4 stars). 8 submissions from 8 submitters: Uncertain significance (8). Last evaluated 2026-10-13.

Conditions:
Progressive sclerosing poliodystrophy (MTDPS4A). Also called: ALPERS PROGRESSIVE INFANTILE POLIODYSTROPHY; NEURONAL DEGENERATION OF CHILDHOOD WITH LIVER DISEASE, PROGRESSIVE; ALPERS DIFFUSE DEGENERATION OF CEREBRAL GRAY MATTER WITH HEPATIC CIRRHOSIS; Alpers-Huttenlocher Syndrome; Mitochondrial DNA depletion syndrome 4A (Alpers type); Mitochondrial DNA Depletion Syndrome 4A. Identifiers: Orphanet 726, MedGen C0205710, MONDO:0008758, OMIM 203700.
POLG-related disorder. Also called: POLG-Related Spectrum Disorders; POLG-related condition; POLG-Related Disorders. Identifiers: MedGen C4763519.
Progressive external ophthalmoplegia with mitochondrial DNA deletions, autosomal recessive 1 (PEOB1). Also called: Autosomal Recessive Progressive External Ophthalmoplegia (arPEO); Progressive external ophthalmoplegia, autosomal recessive 1. Identifiers: Orphanet 254886, MedGen C4225153, MONDO:0009783, OMIM 258450.
Mitochondrial DNA depletion syndrome 4b. Also called: Mitochondrial Neurogastrointestinal Encephalopathy Disease, POLG-Related; MNGIE, POLG-RELATED. Identifiers: Orphanet 298, MedGen C3150914, MONDO:0013350, OMIM 613662.
Mitochondrial DNA depletion syndrome 1. Also called: Mitochondrial DNA Depletion Syndrome, MNGIE Form; Mitochondrial neurogastrointestinal encephalomyopathy syndrome; POLIP SYNDROME; POLYNEUROPATHY, OPHTHALMOPLEGIA, LEUKOENCEPHALOPATHY, AND INTESTINAL PSEUDOOBSTRUCTION; Mitochondrial Neurogastrointestinal Encephalopathy Disease; MITOCHONDRIAL NEUROGASTROINTESTINAL ENCEPHALOPATHY SYNDROME, TYMP-RELATED. Identifiers: Orphanet 298, MedGen C4551995, MONDO:0011283, OMIM 603041.
Sensory ataxic neuropathy, dysarthria, and ophthalmoparesis (SANDO). Also called: Sensory ataxic neuropathy-dysarthria-ophthalmoparesis syndrome; SENSORY ATAXIC NEUROPATHY WITH MITOCHONDRIAL DNA DELETIONS, AUTOSOMAL RECESSIVE; Ataxia Neuropathy Spectrum (ANS); Epilepsy, progressive myoclonic, type 5. Identifiers: Orphanet 70595, MedGen C1843851, MONDO:0011835, OMIM 607459.
Progressive external ophthalmoplegia with mitochondrial DNA deletions, autosomal dominant 1 (PEOA1). Also called: Autosomal Dominant Progressive External Ophthalmoplegia (adPEO); PROGRESSIVE EXTERNAL OPHTHALMOPLEGIA, AUTOSOMAL DOMINANT 1. Identifiers: MedGen C1834846, MONDO:0024528, OMIM 157640.
Inborn genetic diseases. Identifiers: MedGen C0950123, MeSH D030342.

Allele frequency attached by ClinVar (database versions not stated): ExAC 0.00002; TOPMed 0.00006; gnomAD exomes 0.00005 and 0.00003; gnomAD 0.00002.
gnomAD v4.1: 76 of 1,614,068 alleles (0.0047%); highest among the groups gnomAD compares: Admixed American, 0.0083%; no homozygotes.

Submissions (8):

GeneDx
Classification: Uncertain significance. Last evaluated: 2026-10-13. Review status: criteria provided, single submitter. Criteria: GeneDx Variant Classification Process June 2021. Collection method: clinical testing. Allele origin: germline.
Comment: Reported in a patient with developmental delay, ataxia, seizures, pyramidal signs, ataxia, and lactic acidosis; second variant in POLG not identified (PMID: 21880868); Reported in a patient with arrhythmogenic cardiomyopathy where a second variant in POLG was not identified (PMID: 33276707); Not observed at significant frequency in large population cohorts (gnomAD); In silico analysis suggests that this missense variant does not alter protein structure/function; This variant is associated with the following publications: (PMID: 33276707, 21880868)

PreventionGenetics, part of Exact Sciences
Classification: Uncertain significance for POLG-related condition. Last evaluated: 2026-04-03. Review status: criteria provided, single submitter. Criteria: ACMG Guidelines, 2015. Collection method: clinical testing. Allele origin: germline.
Comment: The POLG c.3077G>A variant is predicted to result in the amino acid substitution p.Arg1026His. This variant has been reported as an uncertain significant variant in an individual with developmental delay, ataxia, seizure, pyramidal signs, spasticity, dystonia, chronic progressive external ophthalmoplegia, ptosis, lactic acidosis, abnormal EEG and MRI, and leukodystrophy (suppl. Table 1B, Tang et al. 2011. PubMed ID: 21880868). This variant is reported in 0.0058% of alleles in individuals of Latino descent in gnomAD. At this time, the clinical significance of this variant is uncertain due to the absence of conclusive functional and genetic evidence.

Labcorp Genetics (formerly Invitae), Labcorp
Classification: Uncertain significance for Progressive sclerosing poliodystrophy. Last evaluated: 2025-12-03. Review status: criteria provided, single submitter. Criteria: Invitae Variant Classification Sherloc (09022015). Collection method: clinical testing. Allele origin: germline.
Comment: This sequence change replaces arginine, which is basic and polar, with histidine, which is basic and polar, at codon 1026 of the POLG protein (p.Arg1026His). This variant is present in population databases (rs777038915, gnomAD 0.003%). This missense change has been observed in individual(s) with developmental delay, ataxia, seizure, pyramidal signs, spasticity, dystonia, CPEO, ptosis, lactic acidosis, abnormal EEG and MRI, leukodystrophy (PMID: 21880868). ClinVar contains an entry for this variant (Variation ID: 206612). Invitae Evidence Modeling of protein sequence and biophysical properties (such as structural, functional, and spatial information, amino acid conservation, physicochemical variation, residue mobility, and thermodynamic stability) has been performed for this missense variant. However, the output from this modeling did not meet the statistical confidence thresholds required to predict the impact of this variant on POLG protein function. In summary, the available evidence is currently insufficient to determine the role of this variant in disease. Therefore, it has been classified as a Variant of Uncertain Significance.

Ambry Genetics
Classification: Uncertain significance for Inborn genetic diseases. Last evaluated: 2025-03-18. Review status: criteria provided, single submitter. Criteria: Ambry Variant Classification Scheme 2023. Collection method: clinical testing. Allele origin: germline.

Blueprint Genetics
Classification: Uncertain significance. Last evaluated: 2023-06-12. Review status: criteria provided, single submitter. Criteria: ACMG Guidelines, 2015. Collection method: clinical testing. Allele origin: germline.

Clinical Genetics Laboratory, Skane University Hospital Lund
Classification: Uncertain significance. Last evaluated: 2022-05-27. Review status: criteria provided, single submitter. Criteria: ACMG Guidelines, 2015. Collection method: clinical testing. Allele origin: germline. Affected: yes.

Fulgent Genetics
Classification: Uncertain significance for Progressive external ophthalmoplegia with mitochondrial DNA deletions, autosomal dominant 1; Progressive sclerosing poliodystrophy; Progressive external ophthalmoplegia with mitochondrial DNA deletions, autosomal recessive 1; Mitochondrial DNA depletion syndrome 1; Sensory ataxic neuropathy, dysarthria, and ophthalmoparesis; Mitochondrial DNA depletion syndrome 4b. Last evaluated: 2021-09-23. Review status: criteria provided, single submitter. Criteria: ACMG Guidelines, 2015. Collection method: clinical testing. Allele origin: unknown.

Wong Mito Lab, Molecular and Human Genetics, Baylor College of Medicine
Classification: Uncertain significance for Progressive sclerosing poliodystrophy. Last evaluated: 2018-10-01. Review status: criteria provided, single submitter. Criteria: ACMG Guidelines, 2015. Collection method: clinical testing. Allele origin: germline.
Comment: The NM_002693.2:c.3077G>A (NP_002684.1:p.Arg1026His) [GRCH38: NC_000015.10:g.89319255C>T] variant in POLG gene is interpretated to be a Uncertain Significance based on ACMG guidelines (PMID: 25741868). This variant meets the following evidence codes reported in the ACMG-guideline. PM2:This variant is absent in key population databases. Based on the evidence criteria codes applied, the variant is suggested to be Uncertain Significance.

Literature cited by the submitters: PubMed 21880868 (cited by Labcorp Genetics (formerly Invitae), Labcorp and Ambry Genetics).

NM_002693.3(POLG):c.3077G>A (p.Arg1026His)

Gene: POLG (DNA polymerase gamma, catalytic subunit; minus strand). Cytogenetic location: 15q26.1.
Variant type: single nucleotide variant.
Coding change: c.3077G>A on transcript NM_002693.3 (MANE Select); coding-DNA position 3077, G replaced by A.
Protein change: p.Arg1026His; replaces arginine 1026 with histidine.
Molecular consequence: missense variant.
Genome position (GRCh38, 1-based): chr15:89,319,255, C>T on the plus strand (G>A on the coding strand, the complement: POLG is on the minus strand). VCF-style: chr15-89319255-C-T. GRCh37 (hg19) VCF-style: chr15-89862486-C-T.
Other names: p.R1026H:CGC>CAC; c.3077G>A, p.Arg1026His (NM_001126131.2); short protein forms R1026H.
Identifiers: ClinVar variation 206612 (VCV000206612.18), dbSNP rs777038915, ClinGen allele CA316863.